The following is an entry in ClinVar:

NM_001080517.3(SETD5):c.2327C>T (p.Thr776Ile)

Gene: SETD5 (SET domain containing 5; plus strand). Cytogenetic location: 3p25.3.
Variant type: single nucleotide variant.
Coding change: c.2327C>T on transcript NM_001080517.3 (MANE Select); coding-DNA position 2327, C replaced by T.
Protein change: p.Thr776Ile; replaces threonine 776 with isoleucine.
Molecular consequence: missense variant.
Genome position (GRCh38, 1-based): chr3:9,448,611, C>T. VCF-style: chr3-9448611-C-T. GRCh37 (hg19) VCF-style: chr3-9490295-C-T.
Other names: c.2327C>T (NM_001080517.1); c.2033C>T, p.Thr678Ile (NM_001292043.2, NM_001349451.2); short protein forms T678I, T776I.
Identifiers: ClinVar variation 1709220 (VCV001709220.3), dbSNP rs2473004058, ClinGen allele CA351702022.

ClinVar aggregate classification (germline): Uncertain significance. Review status: criteria provided, multiple submitters, no conflicts (2 of 4 stars). 2 submissions from 2 submitters: Uncertain significance (2). Last evaluated 2025-02-13.

Conditions:
Intellectual disability-facial dysmorphism syndrome due to SETD5 haploinsufficiency (MRD23). Also called: Intellectual developmental disorder, autosomal dominant 23. Identifiers: Orphanet 404440, MedGen C3810406, MONDO:0014336, OMIM 615761.

Submissions (2):

GeneDx
Classification: Uncertain significance. Last evaluated: 2025-02-13. Review status: criteria provided, single submitter. Criteria: GeneDx Variant Classification Process June 2021. Collection method: clinical testing. Allele origin: germline. Affected: yes.
Comment: Not observed at significant frequency in large population cohorts (gnomAD); In silico analysis indicates that this missense variant does not alter protein structure/function; Has not been previously published as pathogenic or benign to our knowledge

MGZ Medical Genetics Center
Classification: Uncertain significance for Intellectual disability-facial dysmorphism syndrome due to SETD5 haploinsufficiency. Last evaluated: 2022-03-30. Review status: criteria provided, single submitter. Criteria: ACMG Guidelines, 2015. Collection method: clinical testing. Allele origin: germline. Affected: yes. Observed: 1 variant allele.
Comment: ACMG criteria applied: PM2_SUP